The following is an entry in ClinVar:

NM_000059.4(BRCA2):c.17_18del (p.Lys6fs)

Gene: BRCA2 (BRCA2 DNA repair associated; plus strand). Cytogenetic location: 13q13.1.
Variant type: Deletion.
Coding change: c.17_18del on transcript NM_000059.4 (MANE Select); coding-DNA positions 17 to 18, 2 bases deleted (AA; older notation c.17_18delAA).
Protein change: p.Lys6fs; shifts the reading frame from lysine 6.
Molecular consequence: frameshift variant.
Genome position (GRCh38, 1-based): chr13:32,316,477-32,316,478, AA deleted; deleting any 2 consecutive bases within chr13:32,316,476-32,316,478 gives the same sequence; the c. name uses the placement nearest the transcript's 3' end. VCF-style (leftmost placement, unchanged base first): chr13-32316475-CAA-C. GRCh37 (hg19) VCF-style: chr13-32890612-CAA-C.
Other names: 245delAA; c.17_18delAA (NM_000059.3).
Identifiers: ClinVar variation 51198 (VCV000051198.18), dbSNP rs80359298, ClinGen allele CA012987.

ClinVar aggregate classification (germline): Pathogenic. Review status: reviewed by expert panel (3 of 4 stars). 8 submissions from 8 submitters: Pathogenic (1). 7 of the submissions do not count toward it. Last evaluated 2016-09-08.

Conditions:
Hereditary cancer-predisposing syndrome. Also called: Neoplastic Syndromes, Hereditary; Tumor predisposition; Hereditary Cancer Syndrome; Hereditary neoplastic syndrome. Identifiers: Orphanet 140162, MedGen C0027672, MeSH D009386, MONDO:0015356.
Hereditary breast ovarian cancer syndrome. Also called: Hereditary breast and ovarian cancer syndrome; Hereditary breast and ovarian cancer; Hereditary breast and ovarian cancer syndrome (HBOC); Breast and ovarian cancer; Hereditary breast and/or ovarian cancer syndrome; BRCA1- and BRCA2-Associated Hereditary Breast and Ovarian Cancer. Identifiers: Orphanet 145, MedGen C0677776, MeSH D061325, MONDO:0003582. Disease mechanism: loss of function.
Breast-ovarian cancer, familial, susceptibility to, 2 (BROVCA2). Also called: BRCA2 Hereditary Breast and Ovarian Cancer. Identifiers: Orphanet 145, MedGen C2675520, MONDO:0012933, OMIM 612555. Disease mechanism: loss of function.

Submissions (8):

Evidence-based Network for the Interpretation of Germline Mutant Alleles (ENIGMA)
Classification: Pathogenic for Breast-ovarian cancer, familial, susceptibility to, 2. Last evaluated: 2016-09-08. Review status: reviewed by expert panel. Criteria: ENIGMA BRCA1/2 Classification Criteria (2015). Collection method: curation. Allele origin: germline.
Comment: Variant allele predicted to encode a truncated non-functional protein.

Women's Health and Genetics/Laboratory Corporation of America, LabCorp
Classification: Pathogenic for Hereditary breast ovarian cancer syndrome. Last evaluated: 2025-07-24. Review status: criteria provided, single submitter. Criteria: LabCorp Variant Classification Summary - May 2015. Collection method: clinical testing. Allele origin: germline. Not counted in ClinVar's aggregate classification.
Comment: Variant summary: BRCA2 c.17_18delAA (p.Lys6ArgfsX7) results in a premature termination codon, predicted to cause a truncation of the encoded protein or absence of the protein due to nonsense mediated decay, which are commonly known mechanisms for disease. The variant was absent in 251378 control chromosomes. c.17_18delAA has been observed in individual(s) affected with Hereditary Breast And Ovarian Cancer Syndrome (example: Rebbeck_2018). These data indicate that the variant may be associated with disease. The following publication has been ascertained in the context of this evaluation (PMID: 29446198). ClinVar contains an entry for this variant (Variation ID: 51198). Based on the evidence outlined above, the variant was classified as pathogenic.

Labcorp Genetics (formerly Invitae), Labcorp
Classification: Pathogenic for Hereditary breast ovarian cancer syndrome. Last evaluated: 2025-04-28. Review status: criteria provided, single submitter. Criteria: Invitae Variant Classification Sherloc (09022015). Collection method: clinical testing. Allele origin: germline. Not counted in ClinVar's aggregate classification.
Comment: This sequence change creates a premature translational stop signal (p.Lys6Argfs*7) in the BRCA2 gene. It is expected to result in an absent or disrupted protein product. Loss-of-function variants in BRCA2 are known to be pathogenic (PMID: 20104584). This variant is not present in population databases (gnomAD no frequency). This premature translational stop signal has been observed in individual(s) with breast cancer (PMID: 29752822). This variant is also known as c.16_17del. ClinVar contains an entry for this variant (Variation ID: 51198). For these reasons, this variant has been classified as Pathogenic.

Ambry Genetics
Classification: Pathogenic for Hereditary cancer-predisposing syndrome. Last evaluated: 2022-11-22. Review status: criteria provided, single submitter. Criteria: Ambry Variant Classification Scheme 2023. Collection method: clinical testing. Allele origin: germline. Not counted in ClinVar's aggregate classification.
Comment: The c.17_18delAA pathogenic mutation, located in coding exon 1 of the BRCA2 gene, results from a deletion of two nucleotides at nucleotide positions 17 to 18, causing a translational frameshift with a predicted alternate stop codon (p.K6Rfs*7). This alteration is expected to result in loss of function by premature protein truncation or nonsense-mediated mRNA decay. As such, this alteration is interpreted as a disease-causing mutation.

GeneDx
Classification: Likely pathogenic. Last evaluated: 2015-12-17. Review status: criteria provided, single submitter. Criteria: GeneDx Variant Classification (06012015). Collection method: clinical testing. Allele origin: germline. Affected: yes. Not counted in ClinVar's aggregate classification.
Comment: This deletion of 2 nucleotides in BRCA2 is denoted c.17_18delAA at the cDNA level and p.Lys6ArgfsX7(K6RfsX7) at the protein level. Using alternate nomenclature, this variant may be defined as BRCA2 245_246delAA. The normal sequence, with the bases that are deleted in braces, is TCCA[AA]GAGA. The deletion causes a frameshift, which changes a Lysine to an Arginine at codon 6, and creates a premature stop codon at position 7 of the new reading frame. Although this variant has not, to our knowledge, been reported in the literature, it is predicted to cause loss of normal protein function through either protein truncation or nonsense-mediated mRNA decay. Based on the currently available information, we consider this deletion to be a likely pathogenic variant.

Consortium of Investigators of Modifiers of BRCA1/2 (CIMBA), c/o University of Cambridge
Classification: Pathogenic for Breast-ovarian cancer, familial, susceptibility to, 2. Last evaluated: 2015-10-02. Review status: criteria provided, single submitter. Criteria: CIMBA Mutation Classification guidelines May 2016. Collection method: clinical testing. Allele origin: germline. Not counted in ClinVar's aggregate classification.

Sharing Clinical Reports Project (SCRP)
Classification: Pathogenic for Breast-ovarian cancer, familial 2. Last evaluated: 2012-12-27. Review status: no assertion criteria provided. Collection method: clinical testing. Allele origin: germline. Not counted in ClinVar's aggregate classification.

Breast Cancer Information Core (BIC) (BRCA2)
Classification: Pathogenic for Breast-ovarian cancer, familial 2. Last evaluated: 1999-06-22. Review status: no assertion criteria provided. Collection method: clinical testing. Allele origin: germline. Affected: yes. Observed: 3 variant alleles. Not counted in ClinVar's aggregate classification.

Literature cited by the submitters: PubMed 29446198 (cited by Women's Health and Genetics/Laboratory Corporation of America, LabCorp and Ambry Genetics); PubMed 20104584 (cited by Labcorp Genetics (formerly Invitae), Labcorp); PubMed 29752822 (cited by Labcorp Genetics (formerly Invitae), Labcorp).